The following is an entry in ClinVar:

ClinVar aggregate classification (germline): Uncertain significance (1 of 4 stars; one submission).

Submission:

Women's Health and Genetics/Laboratory Corporation of America, LabCorp
Classification: Uncertain significance. Last evaluated: 2025-07-02. Review status: criteria provided, single submitter. Criteria: LabCorp Variant Classification Summary - May 2015. Collection method: clinical testing. Allele origin: germline.
Comment: Variant summary: FANCA c.3970C>A (p.Pro1324Thr) results in a non-conservative amino acid change in the encoded protein sequence. Algorithms developed to predict the effect of missense changes on protein structure and function are either unavailable or do not agree on the potential impact of this missense change. The variant was absent in 155626 control chromosomes. The available data on variant occurrences in the general population are insufficient to allow any conclusion about variant significance. To our knowledge, no occurrence of c.3970C>A in individuals affected with Fanconi Anemia and no experimental evidence demonstrating its impact on protein function have been reported. No submitters have cited clinical-significance assessments for this variant to ClinVar. Based on the evidence outlined above, the variant was classified as uncertain significance.

NM_000135.4(FANCA):c.3970C>A (p.Pro1324Thr)

Genes: FANCA (FA complementation group A; minus strand), ZNF276 (zinc finger protein 276; plus strand). Cytogenetic location: 16q24.3.
Variant type: single nucleotide variant.
Coding change: c.3970C>A on transcript NM_000135.4 (MANE Select); coding-DNA position 3970, C replaced by A.
Protein change: p.Pro1324Thr; replaces proline 1324 with threonine.
Molecular consequence: missense variant. On other transcripts: 3 prime UTR variant (2), non-coding transcript variant (4).
Genome position (GRCh38, 1-based): chr16:89,739,518, G>T on the plus strand (C>A on the coding strand, the complement: FANCA is on the minus strand). VCF-style: chr16-89739518-G-T. GRCh37 (hg19) VCF-style: chr16-89805926-G-T.
Other names: c.3970C>A, p.Pro1324Thr (NM_001286167.3); c.*1272G>T (NM_001113525.2, NM_152287.4); short protein forms P1324T.
Identifiers: ClinVar variation 3911984 (VCV003911984.2).